The following is an entry in ClinVar:

NM_001048174.2(MUTYH):c.424G>A (p.Val142Met)

Gene: MUTYH (mutY DNA glycosylase; minus strand). Cytogenetic location: 1p34.1.
Variant type: single nucleotide variant.
Coding change: c.424G>A on transcript NM_001048174.2 (MANE Select); coding-DNA position 424, G replaced by A.
Protein change: p.Val142Met; replaces valine 142 with methionine.
Molecular consequence: missense variant. On other transcripts: non-coding transcript variant (2).
Genome position (GRCh38, 1-based): chr1:45,332,831, C>T on the plus strand (G>A on the coding strand, the complement: MUTYH is on the minus strand). VCF-style: chr1-45332831-C-T. GRCh37 (hg19) VCF-style: chr1-45798503-C-T.
Other names: c.424G>A, p.Val142Met (NM_001048171.2, NM_001048173.2, NM_001293195.2); c.427G>A, p.Val143Met (NM_001048172.2); c.508G>A, p.Val170Met (NM_001128425.2); c.469G>A, p.Val157Met (NM_001293190.2); c.457G>A, p.Val153Met (NM_001293191.2); c.148G>A, p.Val50Met (NM_001293192.2, NM_001293196.2); c.79G>A, p.Val27Met (NM_001350650.2, NM_001350651.2); c.499G>A, p.Val167Met (NM_012222.3); short protein forms V170M, V143M, V157M, V167M, V142M, V27M, V50M, V153M.
Identifiers: ClinVar variation 481787 (VCV000481787.24), dbSNP rs786203212, ClinGen allele CA340135857.

ClinVar aggregate classification (germline): Conflicting classifications of pathogenicity. Review status: criteria provided, conflicting classifications (1 of 4 stars). 7 submissions from 7 submitters: Likely pathogenic (1); Uncertain significance (6). Last evaluated 2026-07-17.

Conditions:
Hereditary cancer-predisposing syndrome. Also called: Tumor predisposition; Neoplastic Syndromes, Hereditary; Hereditary Cancer Syndrome; Hereditary neoplastic syndrome. Identifiers: Orphanet 140162, MedGen C0027672, MeSH D009386, MONDO:0015356.
Gastric cancer. Also called: Stomach cancer; Malignant tumor of stomach. Identifiers: MedGen C0024623, MeSH D013274, MONDO:0001056, OMIM 613659, HP:0012126.
Familial adenomatous polyposis 2. Also called: MYH-associated polyposis; Adenomas, multiple colorectal; MUTYH-associated polyposis; MUTYH Polyposis; COLORECTAL ADENOMATOUS POLYPOSIS, AUTOSOMAL RECESSIVE; ADENOMAS, MULTIPLE COLORECTAL, AUTOSOMAL RECESSIVE. Identifiers: Orphanet 220460, Orphanet 247798, MedGen C3272841, MONDO:0012041, OMIM 608456.

Allele frequency attached by ClinVar (database versions not stated): gnomAD exomes below 0.00001.
gnomAD v4.1: 5 of 1,614,228 alleles (0.00031%); highest among the groups gnomAD compares: Non-Finnish European, 0.00042%; no homozygotes.

Submissions (7):

Myriad Genetics, Inc.
Classification: Likely pathogenic for Familial adenomatous polyposis 2. Last evaluated: 2026-07-17. Review status: criteria provided, single submitter. Criteria: Myriad Autosomal Dominant, Autosomal Recessive and X-Linked Classification Criteria (2023). Collection method: clinical testing. Allele origin: unknown.
Comment: This variant is considered likely pathogenic. Functional studies indicate this variant impacts protein function [PMID: 40738107]. This variant is expected to disrupt protein structure [Myriad internal data]. This variant has been reported in multiple individuals with clinical features of gene-specific disease [Myriad internal data].

Labcorp Genetics (formerly Invitae), Labcorp
Classification: Uncertain significance for Familial adenomatous polyposis 2. Last evaluated: 2026-01-26. Review status: criteria provided, single submitter. Criteria: Invitae Variant Classification Sherloc (09022015). Collection method: clinical testing. Allele origin: germline.
Comment: This sequence change replaces valine, which is neutral and non-polar, with methionine, which is neutral and non-polar, at codon 170 of the MUTYH protein (p.Val170Met). This variant is not present in population databases (gnomAD no frequency). This variant has not been reported in the literature in individuals affected with MUTYH-related conditions. ClinVar contains an entry for this variant (Variation ID: 481787). An algorithm developed to predict the effect of missense changes on protein structure and function (PolyPhen-2) suggests that this variant is likely to be disruptive. In summary, the available evidence is currently insufficient to determine the role of this variant in disease. Therefore, it has been classified as a Variant of Uncertain Significance.

Ambry Genetics
Classification: Uncertain significance for Hereditary cancer-predisposing syndrome. Last evaluated: 2025-06-28. Review status: criteria provided, single submitter. Criteria: Ambry Variant Classification Scheme 2023. Collection method: clinical testing. Allele origin: germline.
Comment: The p.V170M variant (also known as c.508G>A), located in coding exon 7 of the MUTYH gene, results from a G to A substitution at nucleotide position 508. The valine at codon 170 is replaced by methionine, an amino acid with highly similar properties. This amino acid position is highly conserved in available vertebrate species. In addition, this alteration is predicted to be tolerated by in silico analysis. Since supporting evidence is limited at this time, the clinical significance of this alteration remains unclear.

Color Diagnostics, LLC DBA Color Health
Classification: Uncertain significance for Hereditary cancer-predisposing syndrome. Last evaluated: 2025-06-11. Review status: criteria provided, single submitter. Criteria: ACMG Guidelines, 2015. Collection method: clinical testing. Allele origin: germline.
Comment: This missense variant replaces valine with methionine at codon 170 of the MUTYH protein. Computational prediction suggests that this variant may have deleterious impact on protein structure and function. To our knowledge, functional studies have not been reported for this variant. This variant has been reported in an individual affected with breast cancer (PMID: 33471991). This variant has not been identified in the general population by the Genome Aggregation Database (gnomAD). The available evidence is insufficient to determine the role of this variant in disease conclusively. Therefore, this variant is classified as a Variant of Uncertain Significance.

All of Us Research Program, National Institutes of Health
Classification: Uncertain significance for Familial adenomatous polyposis 2. Last evaluated: 2024-09-23. Review status: criteria provided, single submitter. Criteria: ACMG Guidelines, 2015. Collection method: clinical testing. Allele origin: germline. Inheritance: Autosomal recessive inheritance. Observed: 1 variant allele, 1 heterozygote.
Comment: This missense variant replaces valine with methionine at codon 170 of the MUTYH protein. Computational prediction suggests that this variant may have deleterious impact on protein structure and function (internally defined REVEL score threshold >= 0.7, PMID: 27666373). To our knowledge, functional studies have not been reported for this variant. This variant has not been reported in individuals affected with hereditary cancer in the literature. This variant has not been identified in the general population by the Genome Aggregation Database (gnomAD). The available evidence is insufficient to determine the role of this variant in disease conclusively. Therefore, this variant is classified as a Variant of Uncertain Significance.

This study involves interpretation of variants in research participants for the purpose of population health screening. Participant phenotype was not available at the time of variant classification. Additional details can be found in publication PMID: 35346344, PMCID: PMC8962531

Quest Diagnostics Nichols Institute San Juan Capistrano
Classification: Uncertain significance. Last evaluated: 2024-06-18. Review status: criteria provided, single submitter. Criteria: Quest Diagnostics criteria. Collection method: clinical testing. Allele origin: unknown.
Comment: The MUTYH c.508G>A (p.Val170Met) variant has been reported in the published literature in an individual with breast cancer and a reportedly healthy individual (PMID: 33471991 (2021), see also LOVD). This variant has not been reported in large, multi-ethnic general populations (Genome Aggregation Database). Analysis of this variant using bioinformatics tools for the prediction of the effect of amino acid changes on protein structure and function yielded predictions that this variant is damaging. Based on the available information, we are unable to determine the clinical significance of this variant.

Fulgent Genetics
Classification: Uncertain significance for Familial adenomatous polyposis 2; Gastric cancer. Last evaluated: 2022-03-30. Review status: criteria provided, single submitter. Criteria: ACMG Guidelines, 2015. Collection method: clinical testing. Allele origin: unknown.

Literature cited by the submitters: PubMed 40738107 (cited by Myriad Genetics, Inc.); PubMed 33471991 (cited by Color Diagnostics, LLC DBA Color Health and Quest Diagnostics Nichols Institute San Juan Capistrano).